The following is an entry in ClinVar:

ClinVar aggregate classification (germline): Uncertain significance. Review status: criteria provided, multiple submitters, no conflicts (2 of 4 stars). 3 submissions from 3 submitters: Uncertain significance (3). Last evaluated 2025-11-21.

Conditions:
Inborn genetic diseases. Identifiers: MedGen C0950123, MeSH D030342.
Vici syndrome (VICIS). Identifiers: Orphanet 1493, MedGen C1855772, MONDO:0009452, OMIM 242840.

Allele frequency attached by ClinVar (database versions not stated): gnomAD exomes 0.00003 and 0.00012; ExAC 0.00013; ESP Exome Variant Server 0.00017; gnomAD 0.00017 and 0.00019; TOPMed 0.00019; 1000 Genomes Project 0.00020; 1000 Genomes Project 30x 0.00031.
gnomAD v4.1: 68 of 1,537,108 alleles (0.0044%); highest among the groups gnomAD compares: East Asian, 0.066%; no homozygotes.

Submissions (3):

GeneDx
Classification: Uncertain significance. Last evaluated: 2025-11-21. Review status: criteria provided, single submitter. Criteria: GeneDx Variant Classification Process June 2021. Collection method: clinical testing. Allele origin: germline.
Comment: In silico analysis suggests that this missense variant does not alter protein structure/function; Has not been previously published as pathogenic or benign to our knowledge

Ambry Genetics
Classification: Uncertain significance for Inborn genetic diseases. Last evaluated: 2024-12-09. Review status: criteria provided, single submitter. Criteria: Ambry Variant Classification Scheme 2023. Collection method: clinical testing. Allele origin: germline.

Labcorp Genetics (formerly Invitae), Labcorp
Classification: Uncertain significance for Vici syndrome. Last evaluated: 2022-10-04. Review status: criteria provided, single submitter. Criteria: Invitae Variant Classification Sherloc (09022015). Collection method: clinical testing. Allele origin: germline.
Comment: This sequence change replaces isoleucine, which is neutral and non-polar, with valine, which is neutral and non-polar, at codon 1408 of the EPG5 protein (p.Ile1408Val). This variant is present in population databases (rs369984684, gnomAD 0.1%). This variant has not been reported in the literature in individuals affected with EPG5-related conditions. ClinVar contains an entry for this variant (Variation ID: 1355104). Advanced modeling of protein sequence and biophysical properties (such as structural, functional, and spatial information, amino acid conservation, physicochemical variation, residue mobility, and thermodynamic stability) performed at Invitae indicates that this missense variant is not expected to disrupt EPG5 protein function. In summary, the available evidence is currently insufficient to determine the role of this variant in disease. Therefore, it has been classified as a Variant of Uncertain Significance.

NM_020964.3(EPG5):c.4222A>G (p.Ile1408Val)

Gene: EPG5 (ectopic P-granules 5 autophagy tethering factor; minus strand). Cytogenetic location: 18q21.1.
Variant type: single nucleotide variant.
Coding change: c.4222A>G on transcript NM_020964.3 (MANE Select); coding-DNA position 4222, A replaced by G.
Protein change: p.Ile1408Val; replaces isoleucine 1408 with valine.
Molecular consequence: missense variant.
Genome position (GRCh38, 1-based): chr18:45,908,065, T>C on the plus strand (A>G on the coding strand, the complement: EPG5 is on the minus strand). VCF-style: chr18-45908065-T-C. GRCh37 (hg19) VCF-style: chr18-43488030-T-C.
Other names: c.4222A>G (NM_020964.2); short protein forms I1408V.
Identifiers: ClinVar variation 1355104 (VCV001355104.8), dbSNP rs369984684, ClinGen allele CA8948935.